The following is an entry in ClinVar:

ClinVar aggregate classification (germline): Uncertain significance (1 of 4 stars; one submission).

Conditions:
Angelman syndrome (AS). Also called: HAPPY PUPPET SYNDROME. Identifiers: Orphanet 72, MedGen C0162635, MONDO:0007113, OMIM 105830. Disease mechanism: loss of function. Inheritance: AS is caused by disruption of maternally imprinted UBE3A located within the 15q11.2-q13 Angelman syndrome/Prader-Willi syndrome (AS/PWS) region., imprinting disorder.

Submission:

Juno Genomics, Hangzhou Juno Genomics, Inc
Classification: Uncertain significance for Angelman syndrome. Review status: criteria provided, single submitter. Criteria: ACMG Guidelines, 2015. Collection method: clinical testing. Allele origin: germline. Affected: yes.
Comment: Absent from controls (or at extremely low frequency if recessive) in Genome Aggregation Database, Exome Sequencing Project, 1000 Genomes Project, or Exome Aggregation Consortium.

NM_130839.5(UBE3A):c.437T>C (p.Leu146Ser)

Genes: SNHG14 (small nucleolar RNA host gene 14; plus strand), UBE3A (ubiquitin protein ligase E3A; minus strand). Cytogenetic location: 15q11.2.
Variant type: single nucleotide variant.
Coding change: c.437T>C on transcript NM_130839.5 (MANE Select); coding-DNA position 437, T replaced by C.
Protein change: p.Leu146Ser; replaces leucine 146 with serine.
Molecular consequence: missense variant. On other transcripts: non-coding transcript variant (1), intron variant (2).
Genome position (GRCh38, 1-based): chr15:25,371,737, A>G on the plus strand (T>C on the coding strand, the complement: UBE3A is on the minus strand). VCF-style: chr15-25371737-A-G. GRCh37 (hg19) VCF-style: chr15-25616884-A-G.
Other names: c.446T>C, p.Leu149Ser (NM_000462.5); c.437T>C, p.Leu146Ser (NM_001354505.1, NM_001354538.2, NM_001354545.2); c.377T>C, p.Leu126Ser (NM_001354506.2, NM_001354507.2, NM_001354508.2 and 17 more transcripts); c.301+3728T>C (NM_001354551.2); c.361+3728T>C (NM_001354550.2); c.260T>C, p.Leu87Ser (NM_001354546.2); short protein forms L126S, L146S, L149S, L87S.
Identifiers: ClinVar variation 3382524 (VCV003382524.2).